The following is an entry in ClinVar:

ClinVar aggregate classification (germline): Conflicting classifications of pathogenicity. Review status: criteria provided, conflicting classifications (1 of 4 stars). 12 submissions from 12 submitters: Uncertain significance (10); Likely benign (1). 1 of the submissions does not count toward it. Last evaluated 2026-02-16.

Conditions:
ATM-related disorder. Also called: ATM-related disorders; ATM-related condition.
Hereditary cancer-predisposing syndrome. Also called: Neoplastic Syndromes, Hereditary; Hereditary Cancer Syndrome; Tumor predisposition; Hereditary neoplastic syndrome. Identifiers: Orphanet 140162, MedGen C0027672, MeSH D009386, MONDO:0015356.
Breast and/or ovarian cancer. Identifiers: MedGen CN221562.
Familial cancer of breast. Also called: BREAST CANCER, FAMILIAL; hereditary breast carcinoma; Hereditary breast cancer. Identifiers: Orphanet 227535, MedGen C0346153, MONDO:0016419, OMIM 114480. Disease mechanism: loss of function.
Ataxia-telangiectasia syndrome (AT). Also called: Ataxia-telangiectasia, complementation group D; AT, COMPLEMENTATION GROUP C; Ataxia-telangiectasia; ATAXIA-TELANGIECTASIA, COMPLEMENTATION GROUP A; ATAXIA-TELANGIECTASIA, FRESNO VARIANT; Ataxia-telangiectasia, complementation group E. Identifiers: Orphanet 100, MedGen C0004135, MONDO:0008840, OMIM 208900.

Allele frequency attached by ClinVar (database versions not stated): gnomAD exomes 0.00001 and 0.00003; gnomAD 0.00003; TOPMed 0.00006.
gnomAD v4.1: 43 of 1,608,074 alleles (0.0027%); highest among the groups gnomAD compares: Non-Finnish European, 0.0036%; no homozygotes.

Submissions (12):

Women's Health and Genetics/Laboratory Corporation of America, LabCorp
Classification: Uncertain significance. Last evaluated: 2026-02-16. Review status: criteria provided, single submitter. Criteria: LabCorp Variant Classification Summary - May 2015. Collection method: clinical testing. Allele origin: germline.
Comment: Variant summary: ATM c.7999A>G (p.Met2667Val) results in a conservative amino acid change in the encoded protein sequence. Algorithms developed to predict the effect of missense changes on protein structure and function are either unavailable or do not agree on the potential impact of this missense change. The variant allele was found at a frequency of 1.2e-05 in 251050 control chromosomes (gnomAD). The available data on variant occurrences in the general population are insufficient to allow any conclusion about variant significance. c.7999A>G has been observed in individuals affected with Breast Cancer or colorectal cancer without strong evidence of causality (e.g. Tavtigian_2009, Yurgelun_2017, Bhai_2021). These reports do not provide unequivocal conclusions about association of the variant with Breast Cancer. Co-occurrence with a pathogenic variant has been reported (ATM c.3480_3492dup, p.Ser1165delinsGlyPheIleLeuTer, Yurgelun_2017), providing supporting evidence for a benign role. At least one publication reports experimental evidence evaluating an impact on protein function. These results showed no damaging effect of this variant (Hanenberg_2025). The following publications have been ascertained in the context of this evaluation (PMID: 19781682, 28135145, 34326862, 40105422). ClinVar contains an entry for this variant (Variation ID: 141559). Based on the evidence outlined above, the variant was classified as uncertain significance.

Labcorp Genetics (formerly Invitae), Labcorp
Classification: Uncertain significance for Ataxia-telangiectasia syndrome. Last evaluated: 2025-12-15. Review status: criteria provided, single submitter. Criteria: Invitae Variant Classification Sherloc (09022015). Collection method: clinical testing. Allele origin: germline.
Comment: This sequence change replaces methionine, which is neutral and non-polar, with valine, which is neutral and non-polar, at codon 2667 of the ATM protein (p.Met2667Val). This variant is present in population databases (rs34099398, gnomAD 0.003%). This missense change has been observed in individual(s) with colorectal cancer or breast cancer (PMID: 16832357, 19781682, 28135145). ClinVar contains an entry for this variant (Variation ID: 141559). Invitae Evidence Modeling of protein sequence and biophysical properties (such as structural, functional, and spatial information, amino acid conservation, physicochemical variation, residue mobility, and thermodynamic stability) indicates that this missense variant is not expected to disrupt ATM protein function with a negative predictive value of 95%. In summary, the available evidence is currently insufficient to determine the role of this variant in disease. Therefore, it has been classified as a Variant of Uncertain Significance.

PreventionGenetics, part of Exact Sciences
Classification: Uncertain significance for ATM-related condition. Last evaluated: 2025-08-23. Review status: criteria provided, single submitter. Criteria: ACMG Guidelines, 2015. Collection method: clinical testing. Allele origin: germline.
Comment: The ATM c.7999A>G variant is predicted to result in the amino acid substitution p.Met2667Val. This variant has been reported as a variant of uncertain significance in an individual with a personal and family history of colorectal cancer (Yurgelun et al. 2017. PubMed ID: 28135145). Of note, this individual also had another pathogenic germline variant in ATM (Yurgelun et al. 2017. PubMed ID: 28135145). In an analysis of individuals with breast cancer, this variant was found in both individuals with cancer and controls (Table S2, Tavtigian et al. 2009. PubMed ID: 19781682; Breast Cancer Association Consortium et al. 2021. PubMed ID: 33471991). This variant is reported in 0.0031% of alleles in individuals of European (Non-Finnish) descent in gnomAD and has conflicting interpretations of pathogenicity ranging from uncertain to likely benign in ClinVar (Variation ID: 141559). At this time, the clinical significance of this variant is uncertain due to the absence of conclusive functional and genetic evidence.

Ambry Genetics
Classification: Uncertain significance for Hereditary cancer-predisposing syndrome. Last evaluated: 2025-07-14. Review status: criteria provided, single submitter. Criteria: Ambry Variant Classification Scheme 2023. Collection method: clinical testing. Allele origin: germline.
Comment: The p.M2667V variant (also known as c.7999A>G), located in coding exon 53 of the ATM gene, results from an A to G substitution at nucleotide position 7999. The methionine at codon 2667 is replaced by valine, an amino acid with highly similar properties. This variant has been identified in multiple breast cancer cohorts as well and unaffected control groups across studies (Renwick A et al. Nat Genet, 2006 Aug;38:873-5; Tavtigian S et al. Am J Hum Genet. 2009 Oct;85(4):427-46; Young EL et al. J Med Genet, 2016 06;53:366-76; Dorling et al. N Engl J Med. 2021 02;384:428-439). This variant has been reported in an individual affected with colorectal cancer, who was also identified to carry a pathogenic mutation in ATM (Yurgelun MB et al. J Clin Oncol, 2017 Apr;35:1086-1095). This amino acid position is well conserved in available vertebrate species. In addition, the in silico prediction for this alteration is inconclusive. Based on the available evidence, the clinical significance of this variant remains unclear.

Color Diagnostics, LLC DBA Color Health
Classification: Uncertain significance for Hereditary cancer-predisposing syndrome. Last evaluated: 2025-02-25. Review status: criteria provided, single submitter. Criteria: ACMG Guidelines, 2015. Collection method: clinical testing. Allele origin: germline.
Comment: This missense variant replaces methionine with valine at codon 2667 of the ATM protein. Computational prediction suggests that this variant may not impact protein structure and function. To our knowledge, functional studies have not been reported for this variant. This variant has been reported in individuals affected with breast cancer and in unaffected individuals (PMID: 16832357, 19781682, 33471991). This variant also has been reported in an individual affected with colorectal cancer, although the individual was found to also have a co-occuring ATM germline mutation (PMID: 28135145). This variant has been identified in 4/282418 chromosomes in the general population by the Genome Aggregation Database (gnomAD). The available evidence is insufficient to determine the role of this variant in disease conclusively. Therefore, this variant is classified as a Variant of Uncertain Significance.

Myriad Genetics, Inc.
Classification: Likely benign for Familial cancer of breast. Last evaluated: 2024-06-18. Review status: criteria provided, single submitter. Criteria: Myriad Autosomal Dominant, Autosomal Recessive and X-Linked Classification Criteria (2023). Collection method: clinical testing. Allele origin: unknown.
Comment: This variant is considered likely benign. This variant is strongly associated with less severe personal and family histories of cancer, typical for individuals without pathogenic variants in this gene [PMID: 25085752].

Baylor Genetics
Classification: Uncertain significance for Familial cancer of breast. Last evaluated: 2024-03-14. Review status: criteria provided, single submitter. Criteria: ACMG Guidelines, 2015. Collection method: clinical testing. Allele origin: unknown.

GeneDx
Classification: Uncertain significance. Last evaluated: 2023-09-06. Review status: criteria provided, single submitter. Criteria: GeneDx Variant Classification Process June 2021. Collection method: clinical testing. Allele origin: germline. Affected: yes.
Comment: Not observed at significant frequency in large population cohorts (gnomAD); In silico analysis supports that this missense variant does not alter protein structure/function; Observed with a reportedly pathogenic ATM variant, phase (cis or trans) unknown, in a patient with colorectal cancer (Yurgelun et al., 2017); Observed in individuals with breast cancer, but also in healthy controls (Renwick et al., 2006; Tavtigian et al., 2009; Bhai et al., 2021); This variant is associated with the following publications: (PMID: 26787654, 26727500, 22529920, 33471991, 16832357, 34326862, 19781682, 28135145)

MGZ Medical Genetics Center
Classification: Uncertain significance for Familial cancer of breast. Last evaluated: 2022-06-23. Review status: criteria provided, single submitter. Criteria: ACMG Guidelines, 2015. Collection method: clinical testing. Allele origin: germline. Affected: yes. Observed: 1 variant allele.
Comment: ACMG criteria applied: PM2_SUP, BP4

CHEO Genetics Diagnostic Laboratory, Children's Hospital of Eastern Ontario
Classification: Uncertain significance for Breast and/or ovarian cancer. Last evaluated: 2020-04-02. Review status: criteria provided, single submitter. Criteria: ACMG Guidelines, 2015. Collection method: clinical testing. Allele origin: germline.

CeGaT Center for Human Genetics Tuebingen
Classification: Uncertain significance. Last evaluated: 2016-07-01. Review status: criteria provided, single submitter. Criteria: CeGaT Center For Human Genetics Tuebingen Variant Classification Criteria Version 2. Collection method: clinical testing. Allele origin: germline. Affected: yes. Observed: 1 variant allele.

Natera, Inc.
Classification: Uncertain significance for Ataxia-telangiectasia. Last evaluated: 2020-02-18. Review status: no assertion criteria provided. Collection method: clinical testing. Allele origin: germline. Not counted in ClinVar's aggregate classification.

Literature cited by the submitters: PubMed 19781682 (cited by 4 submitters); PubMed 28135145 (cited by 4 submitters); PubMed 34326862 (cited by Women's Health and Genetics/Laboratory Corporation of America, LabCorp); PubMed 40105422 (cited by Women's Health and Genetics/Laboratory Corporation of America, LabCorp); PubMed 16832357 (cited by 3 submitters); PubMed 26787654 (cited by Ambry Genetics); PubMed 33471991 (cited by Ambry Genetics and Color Diagnostics, LLC DBA Color Health); PubMed 25085752 (cited by Myriad Genetics, Inc.).

NM_000051.4(ATM):c.7999A>G (p.Met2667Val)

Genes: ATM (ATM serine/threonine kinase; plus strand), C11orf65 (chromosome 11 open reading frame 65; minus strand). Cytogenetic location: 11q22.3.
Variant type: single nucleotide variant.
Coding change: c.7999A>G on transcript NM_000051.4 (MANE Select); coding-DNA position 7999, A replaced by G.
Protein change: p.Met2667Val; replaces methionine 2667 with valine.
Molecular consequence: missense variant. On other transcripts: intron variant (2).
Genome position (GRCh38, 1-based): chr11:108,333,957, A>G. VCF-style: chr11-108333957-A-G. GRCh37 (hg19) VCF-style: chr11-108204684-A-G.
Other names: c.7999A>G, p.Met2667Val (NM_001351834.2); c.641-24886T>C (NM_001330368.2); c.*38+1263T>C (NM_001351110.2); short protein forms M2667V.
Identifiers: ClinVar variation 141559 (VCV000141559.76), dbSNP rs34099398, ClinGen allele CA165779.
Genomic context (GRCh38, chr11:108,333,957, plus strand): 5'-ATTCCAGCAGACCAGCCAATTACTAAACTTAAGAATTTAGAAGATGTTGTTGTCCCTACT[A>G]TGGAAATTAAGGTAATTTGCAATTAACTCTTGATTTTTTTTAAACTAAATTTTTTTTATT-3'
Protein context (NP_000042.3, residues 2657-2677): KNLEDVVVPT[Met2667Val]EIKVDHTGEY